The following is an entry in ClinVar:

ClinVar aggregate classification (germline): Pathogenic (1 of 4 stars; one submission).

Conditions:
Neurofibromatosis, type 1 (NF1). Also called: VON RECKLINGHAUSEN DISEASE; Peripheral type neurofibromatosis; NEUROFIBROMATOSIS, TYPE I, SOMATIC; Neurofibromatosis, type I. Identifiers: Orphanet 636, MedGen C0027831, MONDO:0018975, OMIM 162200. Disease mechanism: loss of function.

Submission:

Labcorp Genetics (formerly Invitae), Labcorp
Classification: Pathogenic for Neurofibromatosis, type 1. Last evaluated: 2020-09-14. Review status: criteria provided, single submitter. Criteria: Invitae Variant Classification Sherloc (09022015). Collection method: clinical testing. Allele origin: germline.
Comment: For these reasons, this variant has been classified as Pathogenic. Loss-of-function variants in NF1 are known to be pathogenic (PMID: 10712197, 23913538). This variant has not been reported in the literature in individuals with NF1-related conditions. This variant is not present in population databases (ExAC no frequency). This sequence change creates a premature translational stop signal (p.Tyr2706Phefs*15) in the NF1 gene. It is expected to result in an absent or disrupted protein product.

Literature cited by the submitters: PubMed 10712197; PubMed 23913538.

NM_001042492.3(NF1):c.8172_8179dup (p.Tyr2727fs)

Gene: NF1 (neurofibromin 1; plus strand). Cytogenetic location: 17q11.2.
Variant type: Duplication.
Coding change: c.8172_8179dup on transcript NM_001042492.3 (MANE Select); coding-DNA positions 8172 to 8179, 8 bases duplicated (TCCAGACT; older notation c.8172_8179dupTCCAGACT).
Protein change: p.Tyr2727fs; shifts the reading frame from tyrosine 2727.
Molecular consequence: frameshift variant.
Genome position (GRCh38, 1-based): chr17:31,360,498-31,360,505, TCCAGACT duplicated; duplicating any 8 consecutive bases within chr17:31,360,497-31,360,505 gives the same sequence; the c. name uses the placement nearest the transcript's 3' end. VCF-style (leftmost placement, unchanged base first): chr17-31360496-A-ATTCCAGAC. GRCh37 (hg19) VCF-style: chr17-29687514-A-ATTCCAGAC.
Other names: c.8109_8116dup, p.Tyr2706Phefs (NM_000267.4); short protein forms Y2706fs, Y2727fs.
Identifiers: ClinVar variation 1075040 (VCV001075040.5), dbSNP rs2151587645, ClinGen allele CA2499224255.